The following is an entry in ClinVar:

NM_020843.4(SCAPER):c.1018C>G (p.Leu340Val)

Gene: SCAPER (S-phase cyclin A associated protein in the ER; minus strand). Cytogenetic location: 15q24.3.
Variant type: single nucleotide variant.
Coding change: c.1018C>G on transcript NM_020843.4 (MANE Select); coding-DNA position 1018, C replaced by G.
Protein change: p.Leu340Val; replaces leucine 340 with valine.
Molecular consequence: missense variant. On other transcripts: non-coding transcript variant (1).
Genome position (GRCh38, 1-based): chr15:76,774,872, G>C on the plus strand (C>G on the coding strand, the complement: SCAPER is on the minus strand). VCF-style: chr15-76774872-G-C. GRCh37 (hg19) VCF-style: chr15-77067213-G-C.
Other names: c.280C>G, p.Leu94Val (NM_001145923.2); c.1018C>G, p.Leu340Val (NM_001353009.2); c.616C>G, p.Leu206Val (NM_001353010.2, NM_001353011.2, NM_001353012.2); short protein forms L206V, L94V, L340V.
Identifiers: ClinVar variation 4979951 (VCV004979951.1).

ClinVar aggregate classification (germline): Uncertain significance (1 of 4 stars; one submission).

Conditions:
SCAPER-related disorder. Also called: SCAPER-related condition.

gnomAD v4.1: 10 of 1,609,724 alleles (0.00062%); highest among the groups gnomAD compares: Admixed American, 0.015%; no homozygotes.

Submission:

PreventionGenetics, part of Exact Sciences
Classification: Uncertain significance for SCAPER-related condition. Last evaluated: 2026-08-25. Review status: criteria provided, single submitter. Criteria: ACMG Guidelines, 2015. Collection method: clinical testing. Allele origin: germline.
Comment: The SCAPER c.1018C>G variant is predicted to result in the amino acid substitution p.Leu340Val. To our knowledge, this variant has not been reported in the literature. This variant is reported in 0.024% of alleles in individuals of Latino descent in gnomAD. At this time, the clinical significance of this variant is uncertain due to the absence of conclusive functional and genetic evidence.